The following is an entry in ClinVar:

NM_000512.5(GALNS):c.423-16G>A

Gene: GALNS (galactosamine (N-acetyl)-6-sulfatase; minus strand). Cytogenetic location: 16q24.3.
Variant type: single nucleotide variant.
Coding change: c.423-16G>A on transcript NM_000512.5 (MANE Select); 16 bases into the intron before coding-DNA position 423, G replaced by A.
Molecular consequence: intron variant.
Genome position (GRCh38, 1-based): chr16:88,837,781, C>T on the plus strand (G>A on the coding strand, the complement: GALNS is on the minus strand). VCF-style: chr16-88837781-C-T. GRCh37 (hg19) VCF-style: chr16-88904189-C-T.
Other names: c.-133-16G>A (NM_001323543.2); c.441-16G>A (NM_001323544.2).
Identifiers: ClinVar variation 2132363 (VCV002132363.4), dbSNP rs2543550456, ClinGen allele CA2580092238.

ClinVar aggregate classification (germline): Uncertain significance (1 of 4 stars; one submission).

Conditions:
Mucopolysaccharidosis, MPS-IV-A (MPS4A). Also called: Morquio syndrome A, mild; MORQUIO SYNDROME A; GALACTOSAMINE-6-SULFATASE DEFICIENCY; GALNS DEFICIENCY; MORQUIO A DISEASE; Mucopolysaccharidosis type IV A. Identifiers: Orphanet 309297, Orphanet 582, MedGen C0086651, MONDO:0009659, OMIM 253000.

Allele frequency attached by ClinVar (database versions not stated): gnomAD exomes below 0.00001.
gnomAD v4.1: 1 of 1,613,588 alleles (0.000062%); highest among the groups gnomAD compares: Non-Finnish European, 0.000085%; no homozygotes.

Submission:

Labcorp Genetics (formerly Invitae), Labcorp
Classification: Uncertain significance for Mucopolysaccharidosis, MPS-IV-A. Last evaluated: 2022-04-30. Review status: criteria provided, single submitter. Criteria: Invitae Variant Classification Sherloc (09022015). Collection method: clinical testing. Allele origin: germline.
Comment: In summary, the available evidence is currently insufficient to determine the role of this variant in disease. Therefore, it has been classified as a Variant of Uncertain Significance. Algorithms developed to predict the effect of sequence changes on RNA splicing suggest that this variant may disrupt the consensus splice site. This variant has not been reported in the literature in individuals affected with GALNS-related conditions. This variant is not present in population databases (gnomAD no frequency). This sequence change falls in intron 4 of the GALNS gene. It does not directly change the encoded amino acid sequence of the GALNS protein.